The following is an entry in ClinVar:

ClinVar aggregate classification (germline): Uncertain significance (1 of 4 stars; one submission).

gnomAD v4.1: 1 of 1,612,888 alleles (0.000062%); highest among the groups gnomAD compares: Non-Finnish European, 0.000085%; no homozygotes.

Submission:

Labcorp Genetics (formerly Invitae), Labcorp
Classification: Uncertain significance. Last evaluated: 2025-04-10. Review status: criteria provided, single submitter. Criteria: Invitae Variant Classification Sherloc (09022015). Collection method: clinical testing. Allele origin: germline.
Comment: This sequence change replaces cysteine, which is neutral and slightly polar, with arginine, which is basic and polar, at codon 435 of the PRPF8 protein (p.Cys435Arg). This variant is not present in population databases (gnomAD no frequency). This variant has not been reported in the literature in individuals affected with PRPF8-related conditions. Invitae Evidence Modeling of protein sequence and biophysical properties (such as structural, functional, and spatial information, amino acid conservation, physicochemical variation, residue mobility, and thermodynamic stability) indicates that this missense variant is not expected to disrupt PRPF8 protein function with a negative predictive value of 80%. In summary, the available evidence is currently insufficient to determine the role of this variant in disease. Therefore, it has been classified as a Variant of Uncertain Significance.

NM_006445.4(PRPF8):c.1303T>C (p.Cys435Arg)

Gene: PRPF8 (pre-mRNA processing factor 8; minus strand). Cytogenetic location: 17p13.3.
Variant type: single nucleotide variant.
Coding change: c.1303T>C on transcript NM_006445.4 (MANE Select); coding-DNA position 1303, T replaced by C.
Protein change: p.Cys435Arg; replaces cysteine 435 with arginine.
Molecular consequence: missense variant.
Genome position (GRCh38, 1-based): chr17:1,679,397, A>G on the plus strand (T>C on the coding strand, the complement: PRPF8 is on the minus strand). VCF-style: chr17-1679397-A-G. GRCh37 (hg19) VCF-style: chr17-1582691-A-G.
Other names: short protein forms C435R.
Identifiers: ClinVar variation 4766846 (VCV004766846.1).